The following is an entry in ClinVar:

ClinVar aggregate classification (germline): Uncertain significance. Review status: criteria provided, multiple submitters, no conflicts (2 of 4 stars). 2 submissions from 2 submitters: Uncertain significance (2). Last evaluated 2025-01-24.

Conditions:
Hereditary pancreatitis (PCTT). Also called: PRSS1-Related Hereditary Pancreatitis; Hereditary chronic pancreatitis. Identifiers: Orphanet 676, MedGen C0238339, MONDO:0008185, OMIM 167800.

gnomAD v4.1: 2 of 1,614,218 alleles (0.00012%); highest among the groups gnomAD compares: Non-Finnish European, 0.00017%; no homozygotes.

Submissions (2):

Ambry Genetics
Classification: Uncertain significance for Hereditary pancreatitis. Last evaluated: 2025-01-24. Review status: criteria provided, single submitter. Criteria: Ambry Variant Classification Scheme 2023. Collection method: clinical testing. Allele origin: germline.

Labcorp Genetics (formerly Invitae), Labcorp
Classification: Uncertain significance. Last evaluated: 2023-03-02. Review status: criteria provided, single submitter. Criteria: Invitae Variant Classification Sherloc (09022015). Collection method: clinical testing. Allele origin: germline.
Comment: This sequence change replaces serine, which is neutral and polar, with phenylalanine, which is neutral and non-polar, at codon 309 of the CPA1 protein (p.Ser309Phe). This variant is not present in population databases (gnomAD no frequency). This variant has not been reported in the literature in individuals affected with CPA1-related conditions. ClinVar contains an entry for this variant (Variation ID: 2027386). Advanced modeling of protein sequence and biophysical properties (such as structural, functional, and spatial information, amino acid conservation, physicochemical variation, residue mobility, and thermodynamic stability) has been performed at Invitae for this missense variant, however the output from this modeling did not meet the statistical confidence thresholds required to predict the impact of this variant on CPA1 protein function. In summary, the available evidence is currently insufficient to determine the role of this variant in disease. Therefore, it has been classified as a Variant of Uncertain Significance.

NM_001868.4(CPA1):c.926C>T (p.Ser309Phe)

Gene: CPA1 (carboxypeptidase A1; plus strand). Cytogenetic location: 7q32.2.
Variant type: single nucleotide variant.
Coding change: c.926C>T on transcript NM_001868.4 (MANE Select); coding-DNA position 926, C replaced by T.
Protein change: p.Ser309Phe; replaces serine 309 with phenylalanine.
Molecular consequence: missense variant.
Genome position (GRCh38, 1-based): chr7:130,385,284, C>T. VCF-style: chr7-130385284-C-T. GRCh37 (hg19) VCF-style: chr7-130025125-C-T.
Other names: c.926C>T (NM_001868.2); short protein forms S309F.
Identifiers: ClinVar variation 2027386 (VCV002027386.5), dbSNP rs2536012289, ClinGen allele CA369283774.
Genomic context (GRCh38, chr7:130,385,284, plus strand): 5'-TTGTAGACTTTGTGAAGGACCATGGGAACATCAAGGCCTTCATCTCCATCCACAGCTACT[C>T]CCAGCTCCTCATGTATCCCTATGGCTACAAAACAGAACCAGTCCCTGACCAGGATGAGCT-3'
Protein context (NP_001859.1, residues 299-319): IKAFISIHSY[Ser309Phe]QLLMYPYGYK